The following is an entry in ClinVar:

NM_001267550.2(TTN):c.42154del (p.Ile14052fs)

Gene: TTN (titin; minus strand). Cytogenetic location: 2q31.2.
Variant type: Deletion.
Coding change: c.42154del on transcript NM_001267550.2 (MANE Select); coding-DNA position 42154, one base deleted (A; older notation c.42154delA).
Protein change: p.Ile14052fs; shifts the reading frame from isoleucine 14052.
Molecular consequence: frameshift variant.
Genome position (GRCh38, 1-based): chr2:178,634,627, T deleted on the plus strand (A on the coding strand, the reverse complement: TTN is on the minus strand); the first of 3 consecutive T bases (chr2:178,634,627-178,634,629); deleting any one gives the same sequence. VCF-style (leftmost placement, unchanged base first): chr2-178634626-AT-A. GRCh37 (hg19) VCF-style: chr2-179499353-AT-A.
Other names: c.37231del, p.Ile12411fs (NM_001256850.1); c.14959del, p.Ile4987fs (NM_003319.4); c.34450del, p.Ile11484fs (NM_133378.4); c.15334del, p.Ile5112fs (NM_133432.3); c.15535del, p.Ile5179fs (NM_133437.4); c.14959delA (NM_003319.4); short protein forms I14052fs, I5179fs, I11484fs, I12411fs, I4987fs, I5112fs.
Identifiers: ClinVar variation 1773867 (VCV001773867.2), dbSNP rs2471553789, ClinGen allele CA2580065242.

ClinVar aggregate classification (germline): Likely pathogenic (1 of 4 stars; one submission).

Conditions:
Cardiovascular phenotype. Identifiers: MedGen CN230736.

Submission:

Ambry Genetics
Classification: Likely pathogenic for Cardiovascular phenotype. Last evaluated: 2020-01-09. Review status: criteria provided, single submitter. Criteria: Ambry Variant Classification Scheme 2023. Collection method: clinical testing. Allele origin: germline.
Comment: The c.14959delA variant, located in coding exon 57 of the TTN gene, results from a deletion of one nucleotide at nucleotide position 14959, causing a translational frameshift with a predicted alternate stop codon (p.I4987Sfs*9). This exon is located in the I-band region of the N2-B isoform of the titin protein and is constitutively expressed in TTN transcripts (percent spliced in or PSI 100%). This alteration is expected to result in loss of function by premature protein truncation or nonsense-mediated mRNA decay. While truncating variants in TTN are present in 1-3% of the general population, truncating variants in the A-band are the most common cause of dilated cardiomyopathy (DCM) (Herman DS et al. N. Engl. J. Med., 2012 Feb;366:619-28; Roberts AM et al. Sci Transl Med, 2015 Jan;7:270ra6). TTN truncating variants encoded in constitutive exons (PSI >90%) have been found to be significantly associated with DCM regardless of their position in titin (Schafer S et al. Nat. Genet., 2017 01;49:46-53). As such, this alteration is classified as likely pathogenic.